The following is an entry in ClinVar:

ClinVar aggregate classification (germline): Uncertain significance. Review status: criteria provided, multiple submitters, no conflicts (2 of 4 stars). 2 submissions from 2 submitters: Uncertain significance (2). Last evaluated 2026-08-18.

Conditions:
Inborn genetic diseases. Identifiers: MedGen C0950123, MeSH D030342.
Charcot-Marie-Tooth disease dominant intermediate B (CMTDIB). Also called: Charcot-Marie-Tooth disease dominant intermediate 1; CMT DI1; Charcot-Marie-Tooth disease dominant intermediate I; CHARCOT-MARIE-TOOTH NEUROPATHY, DOMINANT INTERMEDIATE B. Identifiers: Orphanet 100044, Orphanet 228179, MedGen C1847902, MONDO:0011674, OMIM 606482.

gnomAD v4.1: 1 of 1,614,186 alleles (0.000062%); highest among the groups gnomAD compares: Non-Finnish European, 0.000085%; no homozygotes.

Submissions (2):

Ambry Genetics
Classification: Uncertain significance for Inborn genetic diseases. Last evaluated: 2026-08-18. Review status: criteria provided, single submitter. Criteria: Ambry Variant Classification Scheme 2023. Collection method: clinical testing. Allele origin: germline.

Labcorp Genetics (formerly Invitae), Labcorp
Classification: Uncertain significance for Charcot-Marie-Tooth disease dominant intermediate B. Last evaluated: 2024-03-13. Review status: criteria provided, single submitter. Criteria: Invitae Variant Classification Sherloc (09022015). Collection method: clinical testing. Allele origin: germline.
Comment: This sequence change replaces lysine, which is basic and polar, with arginine, which is basic and polar, at codon 419 of the DNM2 protein (p.Lys419Arg). This variant is not present in population databases (gnomAD no frequency). This missense change has been observed in individual(s) with clinical features of DNM2-related conditions (Invitae). ClinVar contains an entry for this variant (Variation ID: 1519578). Advanced modeling of protein sequence and biophysical properties (such as structural, functional, and spatial information, amino acid conservation, physicochemical variation, residue mobility, and thermodynamic stability) has been performed at Invitae for this missense variant, however the output from this modeling did not meet the statistical confidence thresholds required to predict the impact of this variant on DNM2 protein function. In summary, the available evidence is currently insufficient to determine the role of this variant in disease. Therefore, it has been classified as a Variant of Uncertain Significance.

NM_001005361.3(DNM2):c.1196+681A>G

Gene: DNM2 (dynamin 2; plus strand). Cytogenetic location: 19p13.2.
Variant type: single nucleotide variant.
Coding change: c.1196+681A>G on transcript NM_001005361.3 (MANE Select); 681 bases into the intron after coding-DNA position 1196, A replaced by G.
Molecular consequence: intron variant. On other transcripts: missense variant (3).
Genome position (GRCh38, 1-based): chr19:10,796,120, A>G. VCF-style: chr19-10796120-A-G. GRCh37 (hg19) VCF-style: chr19-10906796-A-G.
Other names: c.1256A>G, p.Lys419Arg (NM_001005360.3, NM_001190716.2, NM_004945.4); c.1196+681A>G (NM_001005362.3); c.1256A>G (NM_001005360.2); short protein forms K419R.
Identifiers: ClinVar variation 1519578 (VCV001519578.9), dbSNP rs931176769, ClinGen allele CA404048819.